The following is an entry in ClinVar:

ClinVar aggregate classification (germline): Conflicting classifications of pathogenicity. Review status: criteria provided, conflicting classifications (1 of 4 stars). 3 submissions from 3 submitters: Uncertain significance (1); Benign (1); Likely benign (1). Last evaluated 2025-10-27.

Conditions:
Melanoma-pancreatic cancer syndrome. Identifiers: Orphanet 404560, MedGen C1838547, MONDO:0011713, OMIM 606719. Disease mechanism: loss of function.
Hereditary cancer-predisposing syndrome. Also called: Hereditary Cancer Syndrome; Neoplastic Syndromes, Hereditary; Tumor predisposition; Hereditary neoplastic syndrome. Identifiers: Orphanet 140162, MedGen C0027672, MeSH D009386, MONDO:0015356.
Familial melanoma. Also called: Hereditary melanoma; Hereditary cutaneous melanoma. Identifiers: Orphanet 618, MedGen C1512419, MONDO:0018961.

Submissions (3):

Labcorp Genetics (formerly Invitae), Labcorp
Classification: Likely benign for Familial melanoma. Last evaluated: 2025-10-27. Review status: criteria provided, single submitter. Criteria: Invitae Variant Classification Sherloc (09022015). Collection method: clinical testing. Allele origin: germline.

Myriad Genetics, Inc.
Classification: Benign for Melanoma-pancreatic cancer syndrome. Last evaluated: 2025-08-13. Review status: criteria provided, single submitter. Criteria: Myriad Autosomal Dominant, Autosomal Recessive and X-Linked Classification Criteria (2023). Collection method: clinical testing. Allele origin: unknown.
Comment: This variant is considered benign. This variant is a silent/synonymous amino acid change and it is not expected to impact splicing.

Ambry Genetics
Classification: Uncertain significance for Hereditary cancer-predisposing syndrome. Last evaluated: 2022-12-09. Review status: criteria provided, single submitter. Criteria: Ambry Variant Classification Scheme 2023. Collection method: clinical testing. Allele origin: germline.
Comment: The c.70C>A variant (also known as p.R24R), located in coding exon 1 of the CDKN2A gene, results from a C to A substitution at nucleotide position 70. This nucleotide substitution does not change the at codon 24. This nucleotide position is not well conserved in available vertebrate species. In silico splice site analysis for this alteration is inconclusive; and direct evidence is insufficient at this time. Since supporting evidence is limited at this time, the clinical significance of this alteration remains unclear.

NM_000077.5(CDKN2A):c.70C>A (p.Arg24=)

Gene: CDKN2A (cyclin dependent kinase inhibitor 2A; minus strand). Cytogenetic location: 9p21.3.
Variant type: single nucleotide variant.
Coding change: c.70C>A on transcript NM_000077.5; coding-DNA position 70, C replaced by A.
Protein change: p.Arg24=; no amino-acid change (arginine 24 retained).
Molecular consequence: synonymous variant (on NM_000077.6). On other transcripts: intron variant (2).
Genome position (GRCh38, 1-based): chr9:21,974,758, G>T on the plus strand (C>A on the coding strand, the complement: CDKN2A is on the minus strand). VCF-style: chr9-21974758-G-T. GRCh37 (hg19) VCF-style: chr9-21974757-G-T.
Other names: c.70C>A, p.Arg24= (NM_000077.6, NM_001195132.2, NM_058197.5); c.-3-3550C>A (NM_001363763.2); c.194-3550C>A (NM_058195.4).
Identifiers: ClinVar variation 2497222 (VCV002497222.5), dbSNP rs761014328, ClinGen allele CA464100170.